The following is an entry in ClinVar:

ClinVar aggregate classification (germline): Conflicting classifications of pathogenicity. Review status: criteria provided, conflicting classifications (1 of 4 stars). 3 submissions from 3 submitters: Uncertain significance (1); Likely benign (2). Last evaluated 2025-09-26.

Conditions:
Inborn genetic diseases. Identifiers: MedGen C0950123, MeSH D030342.

Allele frequency attached by ClinVar (database versions not stated): TOPMed 0.00003; gnomAD 0.00003; ESP Exome Variant Server 0.00008; gnomAD exomes 0.00012.
gnomAD v4.1: 184 of 1,613,776 alleles (0.011%); highest among the groups gnomAD compares: Non-Finnish European, 0.015%; no homozygotes.

Submissions (3):

Ambry Genetics
Classification: Likely benign for Inborn genetic diseases. Last evaluated: 2025-09-26. Review status: criteria provided, single submitter. Criteria: Ambry Variant Classification Scheme 2023. Collection method: clinical testing. Allele origin: germline.

Labcorp Genetics (formerly Invitae), Labcorp
Classification: Likely benign. Last evaluated: 2025-05-22. Review status: criteria provided, single submitter. Criteria: Invitae Variant Classification Sherloc (09022015). Collection method: clinical testing. Allele origin: germline.

GeneDx
Classification: Uncertain significance. Last evaluated: 2023-04-07. Review status: criteria provided, single submitter. Criteria: GeneDx Variant Classification Process June 2021. Collection method: clinical testing. Allele origin: germline. Affected: yes.
Comment: In silico analysis supports that this missense variant has a deleterious effect on protein structure/function; Has not been previously published as pathogenic or benign to our knowledge

NM_001170629.2(CHD8):c.5815C>T (p.Arg1939Cys)

Gene: CHD8 (chromodomain helicase DNA binding protein 8; minus strand). Cytogenetic location: 14q11.2.
Variant type: single nucleotide variant.
Coding change: c.5815C>T on transcript NM_001170629.2 (MANE Select); coding-DNA position 5815, C replaced by T.
Protein change: p.Arg1939Cys; replaces arginine 1939 with cysteine.
Molecular consequence: missense variant.
Genome position (GRCh38, 1-based): chr14:21,393,980, G>A on the plus strand (C>T on the coding strand, the complement: CHD8 is on the minus strand). VCF-style: chr14-21393980-G-A. GRCh37 (hg19) VCF-style: chr14-21862139-G-A.
Other names: c.4978C>T, p.Arg1660Cys (NM_020920.4); short protein forms R1660C, R1939C.
Identifiers: ClinVar variation 2662013 (VCV002662013.5), dbSNP rs376527943, ClinGen allele CA7090888.